The following is an entry in ClinVar:

NM_000359.3(TGM1):c.1166G>C (p.Arg389Pro)

Gene: TGM1 (transglutaminase 1; minus strand). Cytogenetic location: 14q12.
Variant type: single nucleotide variant.
Coding change: c.1166G>C on transcript NM_000359.3 (MANE Select); coding-DNA position 1166, G replaced by C.
Protein change: p.Arg389Pro; replaces arginine 389 with proline.
Molecular consequence: missense variant.
Genome position (GRCh38, 1-based): chr14:24,258,667, C>G on the plus strand (G>C on the coding strand, the complement: TGM1 is on the minus strand). VCF-style: chr14-24258667-C-G. GRCh37 (hg19) VCF-style: chr14-24727873-C-G.
Other names: short protein forms R389P.
Identifiers: ClinVar variation 838484 (VCV000838484.14), dbSNP rs121918723, ClinGen allele CA7131155.
Genomic context (GRCh38, chr14:24,258,667, plus strand): 5'-GTGTCTGTGTCGTGGGCGGAGTTGAAGTTGGTGACAGTACGGGTGGCCAGACCCAGGCAG[C>G]GCAGCACTGTGGAGGAGCGAAGGTTGGGGTTCAAGGCATGGGTTGGGGGCAAGTGAGGCA-3'
Protein context (NP_000350.1, residues 379-399): VFAGVTTTVL[Arg389Pro]CLGLATRTVT

ClinVar aggregate classification (germline): Pathogenic. Review status: criteria provided, multiple submitters, no conflicts (2 of 4 stars). 3 submissions from 3 submitters: Pathogenic (3). Last evaluated 2025-11-06.

Conditions:
Autosomal recessive congenital ichthyosis 1 (LI1). Also called: ICHTHYOSIS, CONGENITAL, AUTOSOMAL RECESSIVE 1, WITH OR WITHOUT BATHING SUIT DISTRIBUTION; COLLODION FETUS; DESQUAMATION OF NEWBORN; ICHTHYOSIS CONGENITA; ICHTHYOSIS CONGENITA II; LAMELLAR EXFOLIATION OF NEWBORN. Identifiers: MedGen C4551630, MONDO:0009441, OMIM 242300.
TGM1-related disorder. Also called: TGM1-related condition.

gnomAD v4.1: 8 of 1,614,026 alleles (0.0005%); highest among the groups gnomAD compares: Non-Finnish European, 0.00068%; no homozygotes.

Submissions (3):

Natera, Inc.
Classification: Pathogenic for Autosomal recessive congenital ichthyosis type 1. Last evaluated: 2025-11-06. Review status: criteria provided, single submitter. Criteria: Natera Variant Classification Schema (03/2026). Collection method: clinical testing. Allele origin: germline.
Comment: The c.1166G>C variant in TGM1 is a missense variant predicted to cause substitution of arginine to proline at amino acid 389. This variant is rare in the general population with a frequency below the threshold expected for the associated phenotype(s). This variant has been observed in one or more individuals affected with the associated recessive disease, as either homozygous or compound heterozygous with a second variant (PMID: 31168818, 31168818). Given the available evidence, this variant is classified as Pathogenic.

Labcorp Genetics (formerly Invitae), Labcorp
Classification: Pathogenic. Last evaluated: 2023-11-14. Review status: criteria provided, single submitter. Criteria: Invitae Variant Classification Sherloc (09022015). Collection method: clinical testing. Allele origin: germline.
Comment: This sequence change replaces arginine, which is basic and polar, with proline, which is neutral and non-polar, at codon 389 of the TGM1 protein (p.Arg389Pro). This variant is present in population databases (rs121918723, gnomAD 0.004%). This missense change has been observed in individual(s) with autosomal recessive congenital ichthyosis (PMID: 16968736, 19241467). In at least one individual the data is consistent with being in trans (on the opposite chromosome) from a pathogenic variant. It has also been observed to segregate with disease in related individuals. ClinVar contains an entry for this variant (Variation ID: 838484). Advanced modeling of protein sequence and biophysical properties (such as structural, functional, and spatial information, amino acid conservation, physicochemical variation, residue mobility, and thermodynamic stability) performed at Invitae indicates that this missense variant is expected to disrupt TGM1 protein function with a positive predictive value of 95%. Experimental studies have shown that this missense change affects TGM1 function (PMID: 19212342). For these reasons, this variant has been classified as Pathogenic.

Blueprint Genetics
Classification: Pathogenic for TGM1-related disorders. Last evaluated: 2021-07-07. Review status: criteria provided, single submitter. Criteria: ACMG Guidelines, 2015. Collection method: clinical testing. Allele origin: germline. Affected: yes. Observed: 1 variant allele.

Literature cited by the submitters: PubMed 31168818 (cited by Natera, Inc.); PubMed 16968736 (cited by Labcorp Genetics (formerly Invitae), Labcorp); PubMed 19241467 (cited by Labcorp Genetics (formerly Invitae), Labcorp); PubMed 19212342 (cited by Labcorp Genetics (formerly Invitae), Labcorp).